The following is an entry in ClinVar:

NM_001953.5(TYMP):c.28G>A (p.Gly10Arg)

Gene: TYMP (thymidine phosphorylase; minus strand). Cytogenetic location: 22q13.33.
Variant type: single nucleotide variant.
Coding change: c.28G>A on transcript NM_001953.5 (MANE Select); coding-DNA position 28, G replaced by A.
Protein change: p.Gly10Arg; replaces glycine 10 with arginine.
Molecular consequence: missense variant.
Genome position (GRCh38, 1-based): chr22:50,529,682, C>T on the plus strand (G>A on the coding strand, the complement: TYMP is on the minus strand). VCF-style: chr22-50529682-C-T. GRCh37 (hg19) VCF-style: chr22-50968111-C-T.
Other names: p.Gly10Arg; c.28G>A (NM_001953.3); c.28G>A, p.Gly10Arg (NM_001113755.3, NM_001113756.3, NM_001257988.1 and 1 more transcripts); short protein forms G10R.
Identifiers: ClinVar variation 1403281 (VCV001403281.7), dbSNP rs377572658, ClinGen allele CA10321895.
Genomic context (GRCh38, chr22:50,529,682, plus strand): 5'-AAGGGTCGGGAAGTCCCTGGCTCCCTTCCCCGGAGAAGTCACCAGGCGCGGGTGGGGCCC[C>T]GGTTCCCGGGGTCATCAAGGCTGCCATCGCTCCGGGCCTGCGGGGATGCCTGACACGTCC-3'
Protein context (NP_001944.1, residues 1-20): MAALMTPGT[Gly10Arg]APPAPGDFSG

ClinVar aggregate classification (germline): Conflicting classifications of pathogenicity. Review status: criteria provided, conflicting classifications (1 of 4 stars). 4 submissions from 4 submitters: Uncertain significance (3); Likely benign (1). Last evaluated 2026-08-19.

Conditions:
Inborn genetic diseases. Identifiers: MedGen C0950123, MeSH D030342.

Allele frequency attached by ClinVar (database versions not stated): ESP Exome Variant Server 0.00008; 1000 Genomes Project 30x 0.00016; gnomAD 0.00011 and 0.00014.
gnomAD v4.1: 75 of 1,611,542 alleles (0.0047%); highest among the groups gnomAD compares: Admixed American, 0.018%; no homozygotes.

Submissions (4):

GeneDx
Classification: Uncertain significance. Last evaluated: 2026-08-19. Review status: criteria provided, single submitter. Criteria: GeneDx Variant Classification Process June 2021. Collection method: clinical testing. Allele origin: germline.
Comment: Not observed at significant frequency in large population cohorts (gnomAD); In silico analysis suggests that this missense variant does not alter protein structure/function; Has not been previously published as pathogenic or benign to our knowledge

Mayo Clinic Laboratories, Mayo Clinic
Classification: Uncertain significance. Last evaluated: 2024-05-07. Review status: criteria provided, single submitter. Criteria: ACMG Guidelines, 2015. Collection method: clinical testing. Allele origin: germline. Observed: 1 variant allele.

Ambry Genetics
Classification: Likely benign for Inborn genetic diseases. Last evaluated: 2024-02-13. Review status: criteria provided, single submitter. Criteria: Ambry Variant Classification Scheme 2023. Collection method: clinical testing. Allele origin: germline.

Labcorp Genetics (formerly Invitae), Labcorp
Classification: Uncertain significance. Last evaluated: 2022-07-19. Review status: criteria provided, single submitter. Criteria: Invitae Variant Classification Sherloc (09022015). Collection method: clinical testing. Allele origin: germline.
Comment: This sequence change replaces glycine, which is neutral and non-polar, with arginine, which is basic and polar, at codon 10 of the TYMP protein (p.Gly10Arg). This variant is present in population databases (rs377572658, gnomAD 0.009%). This variant has not been reported in the literature in individuals affected with TYMP-related conditions. ClinVar contains an entry for this variant (Variation ID: 1403281). Advanced modeling of protein sequence and biophysical properties (such as structural, functional, and spatial information, amino acid conservation, physicochemical variation, residue mobility, and thermodynamic stability) performed at Invitae indicates that this missense variant is not expected to disrupt TYMP protein function. Algorithms developed to predict the effect of sequence changes on RNA splicing suggest that this variant may create or strengthen a splice site. In summary, the available evidence is currently insufficient to determine the role of this variant in disease. Therefore, it has been classified as a Variant of Uncertain Significance.